The following is an entry in ClinVar:

NM_003221.4(TFAP2B):c.540+5C>T

Gene: TFAP2B (transcription factor AP-2 beta; plus strand). Cytogenetic location: 6p12.3.
Variant type: single nucleotide variant.
Coding change: c.540+5C>T on transcript NM_003221.4 (MANE Select); 5 bases into the intron after coding-DNA position 540, C replaced by T.
Molecular consequence: intron variant.
Genome position (GRCh38, 1-based): chr6:50,823,870, C>T. VCF-style: chr6-50823870-C-T. GRCh37 (hg19) VCF-style: chr6-50791583-C-T.
Identifiers: ClinVar variation 3709792 (VCV003709792.2).

ClinVar aggregate classification (germline): Uncertain significance (1 of 4 stars; one submission).

Submission:

Labcorp Genetics (formerly Invitae), Labcorp
Classification: Uncertain significance. Last evaluated: 2024-05-28. Review status: criteria provided, single submitter. Criteria: Invitae Variant Classification Sherloc (09022015). Collection method: clinical testing. Allele origin: germline.
Comment: This sequence change falls in intron 2 of the TFAP2B gene. It does not directly change the encoded amino acid sequence of the TFAP2B protein. It affects a nucleotide within the consensus splice site. This variant is present in population databases (rs746559457, gnomAD 0.01%). This variant has not been reported in the literature in individuals affected with TFAP2B-related conditions. Variants that disrupt the consensus splice site are a relatively common cause of aberrant splicing (PMID: 17576681, 9536098). Algorithms developed to predict the effect of sequence changes on RNA splicing suggest that this variant is not likely to affect RNA splicing. In summary, the available evidence is currently insufficient to determine the role of this variant in disease. Therefore, it has been classified as a Variant of Uncertain Significance.

Literature cited by the submitters: PubMed 17576681; PubMed 9536098.